The following is an entry in ClinVar:

ClinVar aggregate classification (germline): Uncertain significance (1 of 4 stars; one submission).

Conditions:
Cardiovascular phenotype. Identifiers: MedGen CN230736.

Allele frequency attached by ClinVar (database versions not stated): ExAC 0.00001.

Submission:

Ambry Genetics
Classification: Uncertain significance for Cardiovascular phenotype. Last evaluated: 2021-08-20. Review status: criteria provided, single submitter. Criteria: Ambry Variant Classification Scheme 2023. Collection method: clinical testing. Allele origin: germline.
Comment: The c.2674-3T>C intronic variant results from a T to C substitution 3 nucleotides upstream from coding exon 17 in the SOS1 gene. This nucleotide position is not well conserved in available vertebrate species. In silico splice site analysis predicts that this alteration will not have any significant effect on splicing. Since supporting evidence is limited at this time, the clinical significance of this alteration remains unclear.

NM_005633.4(SOS1):c.2674-3T>C

Gene: SOS1 (SOS Ras/Rac guanine nucleotide exchange factor 1; minus strand). Cytogenetic location: 2p22.1.
Variant type: single nucleotide variant.
Coding change: c.2674-3T>C on transcript NM_005633.4 (MANE Select); 3 bases into the intron before coding-DNA position 2674, T replaced by C.
Molecular consequence: intron variant.
Genome position (GRCh38, 1-based): chr2:39,006,532, A>G on the plus strand (T>C on the coding strand, the complement: SOS1 is on the minus strand). VCF-style: chr2-39006532-A-G. GRCh37 (hg19) VCF-style: chr2-39233673-A-G.
Other names: c.2653-3T>C (NM_001382394.1); c.2674-3T>C (NM_001382395.1).
Identifiers: ClinVar variation 1794587 (VCV001794587.2), dbSNP rs773442782, ClinGen allele CA1624340.